The following is an entry in ClinVar:

NM_000719.7(CACNA1C):c.4505C>T (p.Ala1502Val)

Gene: CACNA1C (calcium voltage-gated channel subunit alpha1 C; plus strand). Cytogenetic location: 12p13.33.
Variant type: single nucleotide variant.
Coding change: c.4505C>T on transcript NM_000719.7 (MANE Select); coding-DNA position 4505, C replaced by T.
Protein change: p.Ala1502Val; replaces alanine 1502 with valine.
Molecular consequence: missense variant.
Genome position (GRCh38, 1-based): chr12:2,665,687, C>T. VCF-style: chr12-2665687-C-T. GRCh37 (hg19) VCF-style: chr12-2774853-C-T.
Other names: c.4649C>T, p.Ala1550Val (NM_001129827.2, NM_199460.4); c.4571C>T, p.Ala1524Val (NM_001129829.2); c.4505C>T, p.Ala1502Val (NM_001129830.3, NM_001129833.2, NM_001129834.2 and 7 more transcripts); c.4589C>T, p.Ala1530Val (NM_001129831.2); c.4565C>T, p.Ala1522Val (NM_001129832.2); c.4556C>T, p.Ala1519Val (NM_001129836.2); c.4472C>T, p.Ala1491Val (NM_001129837.2, NM_001129838.2, NM_001129846.2 and 1 more transcripts); c.4466C>T, p.Ala1489Val (NM_001129839.2); and 1 more; short protein forms A1524V, A1491V, A1502V, A1489V, A1499V, A1519V, A1522V, A1530V.
Identifiers: ClinVar variation 4055919 (VCV004055919.1).

ClinVar aggregate classification (germline): Uncertain significance (1 of 4 stars; one submission).

gnomAD v4.1: 2 of 1,613,384 alleles (0.00012%); highest among the groups gnomAD compares: Non-Finnish European, 0.00017%; no homozygotes.

Submission:

GeneDx
Classification: Uncertain significance. Last evaluated: 2025-01-02. Review status: criteria provided, single submitter. Criteria: GeneDx Variant Classification Process June 2021. Collection method: clinical testing. Allele origin: germline. Affected: yes.
Comment: Not observed at significant frequency in large population cohorts (gnomAD); In silico analysis supports that this missense variant has a deleterious effect on protein structure/function; Has not been previously published as pathogenic or benign to our knowledge